The following is an entry in ClinVar:

ClinVar aggregate classification (germline): Benign. Review status: criteria provided, multiple submitters, no conflicts (2 of 4 stars). 3 submissions from 3 submitters: Benign (3). Last evaluated 2026-02-01.

Conditions:
Immunodeficiency 35 (IMD35). Also called: Susceptibility to infection due to TYK2 deficiency; TYK2 DEFICIENCY; HIES WITH ATYPICAL MYCOBACTERIOSIS, AUTOSOMAL RECESSIVE; HYPER-IgE SYNDROME WITH ATYPICAL MYCOBACTERIOSIS, AUTOSOMAL RECESSIVE. Identifiers: Orphanet 331226, MedGen C1969086, MONDO:0012682, OMIM 611521.

Allele frequency attached by ClinVar (database versions not stated): gnomAD exomes 0.00639; ExAC 0.01042; gnomAD 0.02601 and 0.02818; 1000 Genomes Project 0.02676; ESP Exome Variant Server 0.02744; 1000 Genomes Project 30x 0.02842; TOPMed 0.02988.
gnomAD v4.1: 7,841 of 1,596,398 alleles (0.49%); highest among the groups gnomAD compares: African/African-American, 9.1%; 328 homozygotes.

Submissions (3):

Labcorp Genetics (formerly Invitae), Labcorp
Classification: Benign for Immunodeficiency 35. Last evaluated: 2026-02-01. Review status: criteria provided, single submitter. Criteria: Invitae Variant Classification Sherloc (09022015). Collection method: clinical testing. Allele origin: germline.

GeneDx
Classification: Benign. Last evaluated: 2014-03-11. Review status: criteria provided, single submitter. Criteria: GeneDx Variant Classification (06012015). Collection method: clinical testing. Allele origin: germline. Affected: yes.
Comment: This variant is considered likely benign or benign based on one or more of the following criteria: it is a conservative change, it occurs at a poorly conserved position in the protein, it is predicted to be benign by multiple in silico algorithms, and/or has population frequency not consistent with disease.

Breakthrough Genomics
Classification: Benign. Review status: criteria provided, single submitter. Criteria: ACMG Guidelines, 2015. Collection method: not provided. Allele origin: germline. Inheritance: Autosomal recessive inheritance. Affected: yes.

NM_003331.5(TYK2):c.2176-18C>G

Gene: TYK2 (tyrosine kinase 2; minus strand). Cytogenetic location: 19p13.2.
Variant type: single nucleotide variant.
Coding change: c.2176-18C>G on transcript NM_003331.5 (MANE Select); 18 bases into the intron before coding-DNA position 2176, C replaced by G.
Molecular consequence: intron variant.
Genome position (GRCh38, 1-based): chr19:10,358,156, G>C on the plus strand (C>G on the coding strand, the complement: TYK2 is on the minus strand). VCF-style: chr19-10358156-G-C. GRCh37 (hg19) VCF-style: chr19-10468832-G-C.
Other names: c.2176-18C>G (LRG_121t1).
Identifiers: ClinVar variation 137867 (VCV000137867.11), dbSNP rs12720298, ClinGen allele CA291552.